The following is an entry in ClinVar:

NM_015295.3(SMCHD1):c.4225C>T (p.Arg1409Cys)

Gene: SMCHD1 (structural maintenance of chromosomes flexible hinge domain containing 1; plus strand). Cytogenetic location: 18p11.32.
Variant type: single nucleotide variant.
Coding change: c.4225C>T on transcript NM_015295.3 (MANE Select); coding-DNA position 4225, C replaced by T.
Protein change: p.Arg1409Cys; replaces arginine 1409 with cysteine.
Molecular consequence: missense variant.
Genome position (GRCh38, 1-based): chr18:2,751,337, C>T. VCF-style: chr18-2751337-C-T. GRCh37 (hg19) VCF-style: chr18-2751335-C-T.
Other names: short protein forms R1409C.
Identifiers: ClinVar variation 1404439 (VCV001404439.8), dbSNP rs773163969, ClinGen allele CA8871416.

ClinVar aggregate classification (germline): Uncertain significance (1 of 4 stars; one submission).

Conditions:
Facioscapulohumeral muscular dystrophy 2 (FSHD2). Also called: MUSCULAR DYSTROPHY, FACIOSCAPULOHUMERAL, TYPE 1B; FACIOSCAPULOHUMERAL MUSCULAR DYSTROPHY 2, DIGENIC; FSHD2, DIGENIC. Identifiers: Orphanet 269, MedGen C1834671, MONDO:0008031, OMIM 158901.

Allele frequency attached by ClinVar (database versions not stated): gnomAD exomes below 0.00001 and 0.00001; ExAC 0.00001; gnomAD 0.00001.
gnomAD v4.1: 17 of 1,580,744 alleles (0.0011%); highest among the groups gnomAD compares: East Asian, 0.0024%; no homozygotes.

Submission:

Labcorp Genetics (formerly Invitae), Labcorp
Classification: Uncertain significance for Facioscapulohumeral muscular dystrophy 2. Last evaluated: 2024-08-01. Review status: criteria provided, single submitter. Criteria: Invitae Variant Classification Sherloc (09022015). Collection method: clinical testing. Allele origin: germline.
Comment: This sequence change replaces arginine, which is basic and polar, with cysteine, which is neutral and slightly polar, at codon 1409 of the SMCHD1 protein (p.Arg1409Cys). The frequency data for this variant in the population databases is considered unreliable, as metrics indicate poor data quality at this position in the gnomAD database. This variant has not been reported in the literature in individuals affected with SMCHD1-related conditions. ClinVar contains an entry for this variant (Variation ID: 1404439). Advanced modeling of protein sequence and biophysical properties (such as structural, functional, and spatial information, amino acid conservation, physicochemical variation, residue mobility, and thermodynamic stability) performed at Invitae indicates that this missense variant is not expected to disrupt SMCHD1 protein function with a negative predictive value of 80%. Algorithms developed to predict the effect of sequence changes on RNA splicing suggest that this variant may disrupt the consensus splice site. In summary, the available evidence is currently insufficient to determine the role of this variant in disease. Therefore, it has been classified as a Variant of Uncertain Significance.